The following is an entry in ClinVar:

ClinVar aggregate classification (germline): Uncertain significance. Review status: criteria provided, multiple submitters, no conflicts (2 of 4 stars). 8 submissions from 8 submitters: Uncertain significance (6). 2 of the submissions do not count toward it. Last evaluated 2025-12-17.

Conditions:
APC-related disorder. Also called: APC-related condition.
Hereditary cancer-predisposing syndrome. Also called: Hereditary neoplastic syndrome; Neoplastic Syndromes, Hereditary; Tumor predisposition; Hereditary Cancer Syndrome. Identifiers: Orphanet 140162, MedGen C0027672, MeSH D009386, MONDO:0015356.
Familial adenomatous polyposis 1 (FAP1). Also called: POLYPOSIS, ADENOMATOUS INTESTINAL; FAMILIAL ADENOMATOUS POLYPOSIS 1, ATTENUATED. Identifiers: MedGen C2713442, MONDO:0021056, OMIM 175100. Disease mechanism: loss of function.
Classic or attenuated familial adenomatous polyposis. Identifiers: MedGen CN372698, MONDO:0021057.

Allele frequency attached by ClinVar (database versions not stated): gnomAD exomes below 0.00001 and 0.00001; ExAC 0.00002.
gnomAD v4.1: 4 of 1,613,674 alleles (0.00025%); highest among the groups gnomAD compares: Non-Finnish European, 0.00025%; no homozygotes.

Submissions (8):

Labcorp Genetics (formerly Invitae), Labcorp
Classification: Uncertain significance for Familial adenomatous polyposis 1. Last evaluated: 2025-12-17. Review status: criteria provided, single submitter. Criteria: Invitae Variant Classification Sherloc (09022015). Collection method: clinical testing. Allele origin: germline.
Comment: This sequence change replaces serine, which is neutral and polar, with leucine, which is neutral and non-polar, at codon 2556 of the APC protein (p.Ser2556Leu). This variant is present in population databases (rs761133356, gnomAD 0.002%). This missense change has been observed in individual(s) with colorectal cancer (PMID: 28135145). ClinVar contains an entry for this variant (Variation ID: 470103). Invitae Evidence Modeling of protein sequence and biophysical properties (such as structural, functional, and spatial information, amino acid conservation, physicochemical variation, residue mobility, and thermodynamic stability) indicates that this missense variant is not expected to disrupt APC protein function with a negative predictive value of 95%. In summary, the available evidence is currently insufficient to determine the role of this variant in disease. Therefore, it has been classified as a Variant of Uncertain Significance.

Ambry Genetics
Classification: Uncertain significance for Hereditary cancer-predisposing syndrome. Last evaluated: 2025-07-21. Review status: criteria provided, single submitter. Criteria: Ambry Variant Classification Scheme 2023. Collection method: clinical testing. Allele origin: germline.
Comment: The p.S2556L variant (also known as c.7667C>T), located in coding exon 15 of the APC gene, results from a C to T substitution at nucleotide position 7667. The serine at codon 2556 is replaced by leucine, an amino acid with dissimilar properties. This variant has been reported in an individual affected with colorectal cancer (Yurgelun MB et al. J Clin Oncol, 2017 Apr;35:1086-1095). This variant was also detected in 1/113 Italian non-BRCA patients with a personal and/or familial history of breast cancer, ovarian cancer, and/or pancreatic cancer (Germani A et al. J Clin Med, 2020 Sep;9). This amino acid position is well conserved in available vertebrate species. In addition, in silico predictors for this gene do not accurately predict pathogenicity. Since supporting evidence is limited at this time, the clinical significance of this alteration remains unclear.

Color Diagnostics, LLC DBA Color Health
Classification: Uncertain significance for Hereditary cancer-predisposing syndrome. Last evaluated: 2025-05-13. Review status: criteria provided, single submitter. Criteria: ACMG Guidelines, 2015. Collection method: clinical testing. Allele origin: germline.
Comment: This missense variant replaces serine with leucine at codon 2556 of the APC protein. Computational prediction suggests that this variant may not impact protein structure and function. To our knowledge, functional studies have not been reported for this variant. This variant has been reported in an individual affected with colorectal cancer and an individual affected with breast cancer (PMID: 28135145, 32957588). This variant has been identified in 3/250832 chromosomes in the general population by the Genome Aggregation Database (gnomAD). The available evidence is insufficient to determine the role of this variant in disease conclusively. Therefore, this variant is classified as a Variant of Uncertain Significance.

All of Us Research Program, National Institutes of Health
Classification: Uncertain significance for Classic or attenuated familial adenomatous polyposis. Last evaluated: 2024-03-05. Review status: criteria provided, single submitter. Criteria: ACMG Guidelines, 2015. Collection method: clinical testing. Allele origin: germline. Inheritance: Autosomal dominant inheritance. Observed: 3 variant alleles, 3 heterozygotes.
Comment: This missense variant replaces serine with leucine at codon 2556 of the APC protein. Computational prediction suggests that this variant may not impact protein structure and function (internally defined REVEL score threshold <= 0.5, PMID: 27666373). To our knowledge, functional studies have not been reported for this variant. This variant has been reported in an individual affected with colorectal cancer and an individual affected with breast cancer (PMID: 28135145, 32957588). This variant has been identified in 3/250832 chromosomes in the general population by the Genome Aggregation Database (gnomAD). The available evidence is insufficient to determine the role of this variant in disease conclusively. Therefore, this variant is classified as a Variant of Uncertain Significance.

This study involves interpretation of variants in research participants for the purpose of population health screening. Participant phenotype was not available at the time of variant classification. Additional details can be found in publication PMID: 35346344, PMCID: PMC8962531

Myriad Genetics, Inc.
Classification: Uncertain significance for Familial adenomatous polyposis 1. Last evaluated: 2023-02-13. Review status: criteria provided, single submitter. Criteria: Myriad Autosomal Dominant, Autosomal Recessive and X-Linked Classification Criteria (2023). Collection method: clinical testing. Allele origin: unknown.
Comment: This variant is classified as a variant of uncertain significance as there is insufficient evidence to determine its impact on protein function and/or cancer risk.

Sema4
Classification: Uncertain significance for Hereditary cancer-predisposing syndrome. Last evaluated: 2022-03-01. Review status: criteria provided, single submitter. Criteria: Sema4 Curation Guidelines. Collection method: curation. Allele origin: germline.
Comment: The APC c.7667C>T (p.S2556L) variant has been reported in heterozygosity in at least two individuals with colon or breast cancer (PMID: 28135145, 32957588). This variant was observed in 3/113196 chromosomes in the Non-Finnish European population according to the Genome Aggregation Database (PMID: 32461654). The variant has been reported in ClinVar (Variation ID: 470103). Functional studies have not been performed, and in silico predictions of the variant's effect on protein function are inconclusive. The evidence is insufficient to meet ACMG/AMP criteria for classifying the variant as benign or pathogenic. Thus, the clinical significance of this variant is currently uncertain.

PreventionGenetics, part of Exact Sciences
Classification: Uncertain significance for APC-related condition. Last evaluated: 2024-03-18. Review status: no assertion criteria provided. Collection method: clinical testing. Allele origin: germline. Not counted in ClinVar's aggregate classification.
Comment: The APC c.7667C>T variant is predicted to result in the amino acid substitution p.Ser2556Leu. This variant was reported in an individual with colorectal cancer, who also carried a rare variant in BRIP1 gene (see subject ID COLB5737-3 in Table A4, Yurgelun et al. 2017. PubMed ID: 28135145). This variant is reported in 0.0027% of alleles in individuals of European (Non-Finnish) descent in gnomAD. In ClinVar, this variant is interpreted as uncertain. At this time, the clinical significance of this variant is uncertain due to the absence of conclusive functional and genetic evidence.

Counsyl
Classification: Uncertain significance for Familial adenomatous polyposis 1. Last evaluated: 2018-02-23. Review status: no assertion criteria provided. Collection method: clinical testing. Allele origin: unknown. Not counted in ClinVar's aggregate classification.

Literature cited by the submitters: PubMed 28135145 (cited by 6 submitters); PubMed 32957588 (cited by 4 submitters).

NM_000038.6(APC):c.7667C>T (p.Ser2556Leu)

Gene: APC (APC regulator of Wnt signaling pathway; plus strand). Cytogenetic location: 5q22.2.
Variant type: single nucleotide variant.
Coding change: c.7667C>T on transcript NM_000038.6 (MANE Select); coding-DNA position 7667, C replaced by T.
Protein change: p.Ser2556Leu; replaces serine 2556 with leucine.
Molecular consequence: missense variant.
Genome position (GRCh38, 1-based): chr5:112,843,261, C>T. VCF-style: chr5-112843261-C-T. GRCh37 (hg19) VCF-style: chr5-112178958-C-T.
Other names: c.7667C>T, p.Ser2556Leu (NM_001127510.3, NM_001354895.2); c.7613C>T, p.Ser2538Leu (NM_001127511.3); c.7721C>T, p.Ser2574Leu (NM_001354896.2); c.7697C>T, p.Ser2566Leu (NM_001354897.2); c.7592C>T, p.Ser2531Leu (NM_001354898.2); c.7583C>T, p.Ser2528Leu (NM_001354899.2); c.7544C>T, p.Ser2515Leu (NM_001354900.2); c.7490C>T, p.Ser2497Leu (NM_001354901.2); and 5 more; short protein forms S2538L, S2556L, S2455L, S2465L, S2515L, S2566L, S2273L, S2396L.
Identifiers: ClinVar variation 470103 (VCV000470103.21), dbSNP rs761133356, ClinGen allele CA048890.